The following is an entry in ClinVar:

NM_199420.4(POLQ):c.4489G>T (p.Asp1497Tyr)

Gene: POLQ (DNA polymerase theta; minus strand). Cytogenetic location: 3q13.33.
Variant type: single nucleotide variant.
Coding change: c.4489G>T on transcript NM_199420.4 (MANE Select); coding-DNA position 4489, G replaced by T.
Protein change: p.Asp1497Tyr; replaces aspartic acid 1497 with tyrosine.
Molecular consequence: missense variant.
Genome position (GRCh38, 1-based): chr3:121,488,442, C>A on the plus strand (G>T on the coding strand, the complement: POLQ is on the minus strand). VCF-style: chr3-121488442-C-A. GRCh37 (hg19) VCF-style: chr3-121207289-C-A.
Other names: short protein forms D1497Y.
Identifiers: ClinVar variation 1740938 (VCV001740938.2), dbSNP rs770672385, ClinGen allele CA354094963.
Genomic context (GRCh38, chr3:121,488,442, plus strand): 5'-CTTCTGAAGGAAGGGGTTCTTTCATTTGCATATCAGGTAATTGTTCTTTTACTAGATAGT[C>A]ATCACTGAAGCTATCAAATAGTAAACTATCACTCATATTCAAACTTGTTTCAGGAACTGG-3'
Protein context (NP_955452.3, residues 1487-1507): DSLLFDSFSD[Asp1497Tyr]YLVKEQLPDM

ClinVar aggregate classification (germline): Uncertain significance (1 of 4 stars; one submission).

Submission:

Ambry Genetics
Classification: Uncertain significance. Last evaluated: 2022-07-10. Review status: criteria provided, single submitter. Criteria: Ambry Variant Classification Scheme 2023. Collection method: clinical testing. Allele origin: germline.
Comment: The p.D1497Y variant (also known as c.4489G>T), located in coding exon 16 of the POLQ gene, results from a G to T substitution at nucleotide position 4489. The aspartic acid at codon 1497 is replaced by tyrosine, an amino acid with highly dissimilar properties. This amino acid position is conserved. In addition, the in silico prediction for this alteration is inconclusive. Since supporting evidence is limited at this time, the clinical significance of this alteration remains unclear.